The following is an entry in ClinVar:

ClinVar aggregate classification (germline): Uncertain significance (1 of 4 stars; one submission).

Conditions:
Hereditary cancer-predisposing syndrome. Also called: Hereditary Cancer Syndrome; Hereditary neoplastic syndrome; Neoplastic Syndromes, Hereditary; Tumor predisposition. Identifiers: Orphanet 140162, MedGen C0027672, MeSH D009386, MONDO:0015356.

Submission:

Ambry Genetics
Classification: Uncertain significance for Hereditary cancer-predisposing syndrome. Last evaluated: 2023-12-30. Review status: criteria provided, single submitter. Criteria: Ambry Variant Classification Scheme 2023. Collection method: clinical testing. Allele origin: germline.
Comment: The p.H158R variant (also known as c.473A>G), located in coding exon 4 of the RAD50 gene, results from an A to G substitution at nucleotide position 473. The histidine at codon 158 is replaced by arginine, an amino acid with highly similar properties. This amino acid position is highly conserved in available vertebrate species. In addition, this alteration is predicted to be deleterious by in silico analysis. Since supporting evidence is limited at this time, the clinical significance of this alteration remains unclear.

NM_005732.4(RAD50):c.473A>G (p.His158Arg)

Gene: RAD50 (RAD50 double strand break repair protein; plus strand). Cytogenetic location: 5q31.1.
Variant type: single nucleotide variant.
Coding change: c.473A>G on transcript NM_005732.4 (MANE Select); coding-DNA position 473, A replaced by G.
Protein change: p.His158Arg; replaces histidine 158 with arginine.
Molecular consequence: missense variant.
Genome position (GRCh38, 1-based): chr5:132,579,424, A>G. VCF-style: chr5-132579424-A-G. GRCh37 (hg19) VCF-style: chr5-131915116-A-G.
Other names: short protein forms H158R.
Identifiers: ClinVar variation 1742759 (VCV001742759.2), dbSNP rs1750463324, ClinGen allele CA360934419.